The following is an entry in ClinVar:

ClinVar aggregate classification (germline): Uncertain significance (1 of 4 stars; one submission).

Conditions:
Adams-Oliver syndrome 5 (AOS5). Identifiers: Orphanet 974, MedGen C4014970, MONDO:0014459, OMIM 616028.

Allele frequency attached by ClinVar (database versions not stated): gnomAD exomes below 0.00001.
gnomAD v4.1: 1 of 1,613,298 alleles (0.000062%); highest among the groups gnomAD compares: Middle Eastern, 0.016%; no homozygotes.

Submission:

Labcorp Genetics (formerly Invitae), Labcorp
Classification: Uncertain significance for Adams-Oliver syndrome 5. Last evaluated: 2023-06-09. Review status: criteria provided, single submitter. Criteria: Invitae Variant Classification Sherloc (09022015). Collection method: clinical testing. Allele origin: germline.
Comment: Advanced modeling of protein sequence and biophysical properties (such as structural, functional, and spatial information, amino acid conservation, physicochemical variation, residue mobility, and thermodynamic stability) performed at Invitae indicates that this missense variant is not expected to disrupt NOTCH1 protein function. This missense change has been observed in individual(s) with clinical features of Adams-Oliver Syndrome (Invitae). This variant is not present in population databases (gnomAD no frequency). This sequence change replaces aspartic acid, which is acidic and polar, with histidine, which is basic and polar, at codon 1989 of the NOTCH1 protein (p.Asp1989His). This variant disrupts the p.Asp1989 amino acid residue in NOTCH1. Other variant(s) that disrupt this residue have been observed in individuals with NOTCH1-related conditions (PMID: 25132448), which suggests that this may be a clinically significant amino acid residue. In summary, the available evidence is currently insufficient to determine the role of this variant in disease. Therefore, it has been classified as a Variant of Uncertain Significance.

Literature cited by the submitters: PubMed 25132448.

NM_017617.5(NOTCH1):c.5965G>C (p.Asp1989His)

Genes: NOTCH1 (notch receptor 1; minus strand), LOC126860794 (BRD4-independent group 4 enhancer GRCh37_chr9:139392592-139393791; plus strand). Cytogenetic location: 9q34.3.
Variant type: single nucleotide variant.
Coding change: c.5965G>C on transcript NM_017617.5 (MANE Select); coding-DNA position 5965, G replaced by C.
Protein change: p.Asp1989His; replaces aspartic acid 1989 with histidine.
Molecular consequence: missense variant.
Genome position (GRCh38, 1-based): chr9:136,499,229, C>G on the plus strand (G>C on the coding strand, the complement: NOTCH1 is on the minus strand). VCF-style: chr9-136499229-C-G. GRCh37 (hg19) VCF-style: chr9-139393681-C-G.
Other names: short protein forms D1989H.
Identifiers: ClinVar variation 2845787 (VCV002845787.3), dbSNP rs587777734, ClinGen allele CA375634832.